The following is an entry in ClinVar:

NM_002509.4(NKX2-2):c.730C>T (p.His244Tyr)

Gene: NKX2-2 (NK2 homeobox 2; minus strand). Cytogenetic location: 20p11.22.
Variant type: single nucleotide variant.
Coding change: c.730C>T on transcript NM_002509.4 (MANE Select); coding-DNA position 730, C replaced by T.
Protein change: p.His244Tyr; replaces histidine 244 with tyrosine.
Molecular consequence: missense variant.
Genome position (GRCh38, 1-based): chr20:21,512,015, G>A on the plus strand (C>T on the coding strand, the complement: NKX2-2 is on the minus strand). VCF-style: chr20-21512015-G-A. GRCh37 (hg19) VCF-style: chr20-21492653-G-A.
Other names: short protein forms H244Y.
Identifiers: ClinVar variation 1524637 (VCV001524637.6), dbSNP rs145819196, ClinGen allele CA9786186.
Genomic context (GRCh38, chr20:21,512,015, plus strand): 5'-GGTGTGCTGTCGGGTACTGGGGGGTGCTGGCCGAGCTGTACTGGGCGTTGTACTGCATGT[G>A]CTGCAGCGACTGCGCGCTGTAGGCAGAAAAGGGAATGCCCGCCTGGAAGGTGGCGGCTGC-3'
Protein context (NP_002500.1, residues 234-254): FSAYSAQSLQ[His244Tyr]MQYNAQYSSA

ClinVar aggregate classification (germline): Uncertain significance (1 of 4 stars; one submission).

Allele frequency attached by ClinVar (database versions not stated): ESP Exome Variant Server 0.00008; gnomAD exomes 0.00008 and 0.00005; gnomAD 0.00004; TOPMed 0.00004; ExAC 0.00006.
gnomAD v4.1: 123 of 1,613,394 alleles (0.0076%); highest among the groups gnomAD compares: Middle Eastern, 0.033%; no homozygotes.

Submission:

Labcorp Genetics (formerly Invitae), Labcorp
Classification: Uncertain significance. Last evaluated: 2025-12-15. Review status: criteria provided, single submitter. Criteria: Invitae Variant Classification Sherloc (09022015). Collection method: clinical testing. Allele origin: germline.
Comment: This sequence change replaces histidine, which is basic and polar, with tyrosine, which is neutral and polar, at codon 244 of the NKX2-2 protein (p.His244Tyr). This variant is present in population databases (rs145819196, gnomAD 0.01%). This variant has not been reported in the literature in individuals affected with NKX2-2-related conditions. ClinVar contains an entry for this variant (Variation ID: 1524637). An algorithm developed to predict the effect of missense changes on protein structure and function (PolyPhen-2) suggests that this variant is likely to be disruptive. In summary, the available evidence is currently insufficient to determine the role of this variant in disease. Therefore, it has been classified as a Variant of Uncertain Significance.